The following is an entry in ClinVar:

ClinVar aggregate classification (germline): Uncertain significance (1 of 4 stars; one submission).

Allele frequency attached by ClinVar (database versions not stated): gnomAD exomes below 0.00001; TOPMed 0.00002.
gnomAD v4.1: 5 of 1,614,110 alleles (0.00031%); highest among the groups gnomAD compares: Admixed American, 0.005%; no homozygotes.

Submission:

Labcorp Genetics (formerly Invitae), Labcorp
Classification: Uncertain significance. Last evaluated: 2024-07-05. Review status: criteria provided, single submitter. Criteria: Invitae Variant Classification Sherloc (09022015). Collection method: clinical testing. Allele origin: germline.
Comment: This sequence change replaces threonine, which is neutral and polar, with arginine, which is basic and polar, at codon 751 of the NIN protein (p.Thr751Arg). This variant is present in population databases (no rsID available, gnomAD 0.003%). This variant has not been reported in the literature in individuals affected with NIN-related conditions. An algorithm developed to predict the effect of missense changes on protein structure and function (PolyPhen-2) suggests that this variant is likely to be disruptive. In summary, the available evidence is currently insufficient to determine the role of this variant in disease. Therefore, it has been classified as a Variant of Uncertain Significance.

NM_020921.4(NIN):c.2252C>G (p.Thr751Arg)

Gene: NIN (ninein; minus strand). Cytogenetic location: 14q22.1.
Variant type: single nucleotide variant.
Coding change: c.2252C>G on transcript NM_020921.4 (MANE Select); coding-DNA position 2252, C replaced by G.
Protein change: p.Thr751Arg; replaces threonine 751 with arginine.
Molecular consequence: missense variant.
Genome position (GRCh38, 1-based): chr14:50,760,004, G>C on the plus strand (C>G on the coding strand, the complement: NIN is on the minus strand). VCF-style: chr14-50760004-G-C. GRCh37 (hg19) VCF-style: chr14-51226722-G-C.
Other names: c.2252C>G, p.Thr751Arg (NM_016350.5, NM_182944.3, NM_182946.2); short protein forms T751R.
Identifiers: ClinVar variation 3020611 (VCV003020611.3), dbSNP rs1481509627, ClinGen allele CA389702033.
Genomic context (GRCh38, chr14:50,760,004, plus strand): 5'-GTCAGCTGCTCCTGGTGAAACTGCTCTAGTTCCTGAGTCAAGCCTCTCACCTTCTCTTCT[G>C]TCCAGGCGCTACTCTGAAGGCCTTCCCTCTCCCGCTCAAAGCTTGCTTGAGCCTGTGTCA-3'
Protein context (NP_065972.4, residues 741-761): EREGLQSSAW[Thr751Arg]EEKVRGLTQE